The following is an entry in ClinVar:

ClinVar aggregate classification (germline): Uncertain significance (1 of 4 stars; one submission).

Conditions:
Early-infantile DEE. Also called: Ohtahara syndrome; Early infantile epileptic encephalopathy with suppression bursts; Early infantile epileptic encephalopathy. Identifiers: Orphanet 1934, MedGen C0393706, MONDO:0800491.

Submission:

Labcorp Genetics (formerly Invitae), Labcorp
Classification: Uncertain significance for Early-infantile DEE. Last evaluated: 2024-02-02. Review status: criteria provided, single submitter. Criteria: Invitae Variant Classification Sherloc (09022015). Collection method: clinical testing. Allele origin: germline.
Comment: This sequence change replaces alanine, which is neutral and non-polar, with glycine, which is neutral and non-polar, at codon 868 of the KCNQ2 protein (p.Ala868Gly). This variant is not present in population databases (gnomAD no frequency). This variant has not been reported in the literature in individuals affected with KCNQ2-related conditions. An algorithm developed to predict the effect of missense changes on protein structure and function (PolyPhen-2) suggests that this variant is likely to be tolerated. In summary, the available evidence is currently insufficient to determine the role of this variant in disease. Therefore, it has been classified as a Variant of Uncertain Significance.

NM_172107.4(KCNQ2):c.2603C>G (p.Ala868Gly)

Gene: KCNQ2 (potassium voltage-gated channel subfamily Q member 2; minus strand). Cytogenetic location: 20q13.33.
Variant type: single nucleotide variant.
Coding change: c.2603C>G on transcript NM_172107.4 (MANE Select); coding-DNA position 2603, C replaced by G.
Protein change: p.Ala868Gly; replaces alanine 868 with glycine.
Molecular consequence: missense variant.
Genome position (GRCh38, 1-based): chr20:63,406,660, G>C on the plus strand (C>G on the coding strand, the complement: KCNQ2 is on the minus strand). VCF-style: chr20-63406660-G-C. GRCh37 (hg19) VCF-style: chr20-62038013-G-C.
Other names: c.2657C>G, p.Ala886Gly (NM_001382235.1); c.2519C>G, p.Ala840Gly (NM_004518.6); c.2549C>G, p.Ala850Gly (NM_172106.3); c.2510C>G, p.Ala837Gly (NM_172108.5); short protein forms A850G, A868G, A837G, A840G, A886G.
Identifiers: ClinVar variation 3675636 (VCV003675636.2).
Genomic context (GRCh38, chr20:63,406,660, plus strand): 5'-GTGCTGAGGAGGGCCGCGGGCGGGTCCACTGGCCCAGCGCCGCCTCACTTCCTGGGCCCG[G>C]CCCAGCCCACGTCACCAAAGGGACCCTCGCCGGTGGCCGAGCGTGGCGGGGGCCCGCACG-3'
Protein context (NP_742105.1, residues 858-872): GEGPFGDVGW[Ala868Gly]GPRK